The following is an entry in ClinVar:

NM_001369.3(DNAH5):c.9280A>T (p.Lys3094Ter)

Gene: DNAH5 (dynein axonemal heavy chain 5; minus strand). Cytogenetic location: 5p15.2.
Variant type: single nucleotide variant.
Coding change: c.9280A>T on transcript NM_001369.3 (MANE Select); coding-DNA position 9280, A replaced by T.
Protein change: p.Lys3094Ter; replaces lysine 3094 with a stop codon.
Molecular consequence: nonsense.
Genome position (GRCh38, 1-based): chr5:13,776,532, T>A on the plus strand (A>T on the coding strand, the complement: DNAH5 is on the minus strand). VCF-style: chr5-13776532-T-A. GRCh37 (hg19) VCF-style: chr5-13776641-T-A.
Other names: short protein forms K3094*.
Identifiers: ClinVar variation 1073922 (VCV001073922.7), dbSNP rs2126810319, ClinGen allele CA359208558.
Genomic context (GRCh38, chr5:13,776,532, plus strand): 5'-ACCAGTCAATTGTGCATCCTGAAATTAGGGCAGGGAACTTCAAAGCTCTGTTTCGAAATT[T>A]CTCCCCCACTGGCGAGAAGCAGAGCACAATATGAAGGTTCTGTCGGACCCGACTCATGAA-3'

ClinVar aggregate classification (germline): Pathogenic (1 of 4 stars; one submission).

Conditions:
Primary ciliary dyskinesia. Also called: Ciliary dyskinesia. Identifiers: Orphanet 244, MedGen C0008780, MONDO:0016575, HP:0012265.

Submission:

Labcorp Genetics (formerly Invitae), Labcorp
Classification: Pathogenic for Primary ciliary dyskinesia. Last evaluated: 2020-05-22. Review status: criteria provided, single submitter. Criteria: Invitae Variant Classification Sherloc (09022015). Collection method: clinical testing. Allele origin: germline.
Comment: For these reasons, this variant has been classified as Pathogenic. Loss-of-function variants in DNAH5 are known to be pathogenic (PMID: 11788826, 16627867). Algorithms developed to predict the effect of sequence changes on RNA splicing suggest that this variant may create or strengthen a splice site, but this prediction has not been confirmed by published transcriptional studies. This variant has not been reported in the literature in individuals with DNAH5-related conditions. This variant is not present in population databases (ExAC no frequency). This sequence change creates a premature translational stop signal (p.Lys3094*) in the DNAH5 gene. It is expected to result in an absent or disrupted protein product.

Literature cited by the submitters: PubMed 11788826; PubMed 16627867.